The following is an entry in ClinVar:

ClinVar aggregate classification (germline): Likely benign. Review status: criteria provided, multiple submitters, no conflicts (2 of 4 stars). 2 submissions from 2 submitters: Likely benign (2). Last evaluated 2025-05-10.

Allele frequency attached by ClinVar (database versions not stated): TOPMed 0.00003; gnomAD 0.00004; gnomAD exomes 0.00023.
gnomAD v4.1: 305 of 1,504,186 alleles (0.02%); highest among the groups gnomAD compares: Non-Finnish European, 0.026%; no homozygotes.

Submissions (2):

Labcorp Genetics (formerly Invitae), Labcorp
Classification: Likely benign. Last evaluated: 2025-05-10. Review status: criteria provided, single submitter. Criteria: Invitae Variant Classification Sherloc (09022015). Collection method: clinical testing. Allele origin: germline.

CeGaT Center for Human Genetics Tuebingen
Classification: Likely benign. Last evaluated: 2025-04-01. Review status: criteria provided, single submitter. Criteria: CeGaT Center For Human Genetics Tuebingen Variant Classification Criteria Version 2. Collection method: clinical testing. Allele origin: germline. Affected: yes. Observed: 1 variant allele.
Comment: CACNA1B: BP4, BP7

NM_000718.4(CACNA1B):c.2586G>A (p.Ala862=)

Gene: CACNA1B (calcium voltage-gated channel subunit alpha1 B; plus strand). Cytogenetic location: 9q34.3.
Variant type: single nucleotide variant.
Coding change: c.2586G>A on transcript NM_000718.4 (MANE Select); coding-DNA position 2586, G replaced by A.
Protein change: p.Ala862=; no amino-acid change (alanine 862 retained).
Molecular consequence: synonymous variant.
Genome position (GRCh38, 1-based): chr9:138,023,329, G>A. VCF-style: chr9-138023329-G-A. GRCh37 (hg19) VCF-style: chr9-140917781-G-A.
Other names: c.2586G>A, p.Ala862= (NM_001243812.2).
Identifiers: ClinVar variation 2418971 (VCV002418971.14), dbSNP rs202245949, ClinGen allele CA5376488.
Genomic context (GRCh38, chr9:138,023,329, plus strand): 5'-CGAGGGCGTCGACCCTCCGCGCAGGCACCACCGGCACCGCGACAAGGACAAGACCCCCGC[G>A]GCGGGGGACCAGGACCGAGCAGAGGCCCCGAAGGCGGAGAGCGGGGAGCCCGGTGCCCGG-3'
Protein context (NP_000709.1, residues 852-872): HRHRDKDKTP[Ala862=]AGDQDRAEAP